The following is an entry in ClinVar:

ClinVar aggregate classification (germline): Conflicting classifications of pathogenicity. Review status: criteria provided, conflicting classifications (1 of 4 stars). 7 submissions from 7 submitters: Uncertain significance (1); Likely benign (6). Last evaluated 2026-06-01.

Conditions:
PGAM2-related disorder. Also called: PGAM2-related condition.
Glycogen storage disease type X (GSD10). Also called: GSD X; Dimauro disease; MYOPATHY DUE TO PHOSPHOGLYCERATE MUTASE DEFICIENCY; PGAMM DEFICIENCY; PHOSPHOGLYCERATE MUTASE, MUSCLE, DEFICIENCY OF; Glycogen storage disease due to phosphoglycerate mutase deficiency. Identifiers: Orphanet 97234, MedGen C0268149, MONDO:0009865, OMIM 261670.

Allele frequency attached by ClinVar (database versions not stated): 1000 Genomes Project 30x 0.00047; 1000 Genomes Project 0.00060; ESP Exome Variant Server 0.00069; gnomAD exomes 0.00073 and 0.00139; ExAC 0.00077; gnomAD 0.00089; TOPMed 0.00095.
gnomAD v4.1: 2,134 of 1,607,600 alleles (0.13%); highest among the groups gnomAD compares: Non-Finnish European, 0.17%; 1 homozygote.

Submissions (7):

CeGaT Center for Human Genetics Tuebingen
Classification: Likely benign. Last evaluated: 2026-06-01. Review status: criteria provided, single submitter. Criteria: CeGaT Center For Human Genetics Tuebingen Variant Classification Criteria Version 2. Collection method: clinical testing. Allele origin: germline. Affected: yes. Observed: 2 variant alleles.
Comment: PGAM2: BP4, BP7

Labcorp Genetics (formerly Invitae), Labcorp
Classification: Likely benign for Glycogen storage disease type X. Last evaluated: 2026-02-04. Review status: criteria provided, single submitter. Criteria: Invitae Variant Classification Sherloc (09022015). Collection method: clinical testing. Allele origin: germline.

PreventionGenetics, part of Exact Sciences
Classification: Likely benign for PGAM2-related condition. Last evaluated: 2025-07-08. Review status: criteria provided, single submitter. Criteria: ACMG Guidelines, 2015. Collection method: clinical testing. Allele origin: germline.
Comment: This variant is classified as likely benign based on ACMG/AMP sequence variant interpretation guidelines (Richards et al. 2015 PMID: 25741868, with internal and published modifications).

Mayo Clinic Laboratories, Mayo Clinic
Classification: Likely benign. Last evaluated: 2025-03-25. Review status: criteria provided, single submitter. Criteria: ACMG Guidelines, 2015. Collection method: clinical testing. Allele origin: germline. Observed: 3 variant alleles.
Comment: BS1, BP4, BP7

Blueprint Genetics
Classification: Likely benign. Last evaluated: 2024-09-10. Review status: criteria provided, single submitter. Criteria: ACMG Guidelines, 2015. Collection method: clinical testing. Allele origin: germline.

GeneDx
Classification: Likely benign. Last evaluated: 2020-05-11. Review status: criteria provided, single submitter. Criteria: GeneDx Variant Classification Process June 2021. Collection method: clinical testing. Allele origin: germline. Affected: yes.

Illumina Laboratory Services, Illumina
Classification: Uncertain significance for Glycogen storage disease type X. Last evaluated: 2018-01-13. Review status: criteria provided, single submitter. Criteria: ICSL Variant Classification Criteria 13 December 2019. Collection method: clinical testing. Allele origin: germline.

NM_000290.4(PGAM2):c.459C>T (p.Cys153=)

Genes: PGAM2 (phosphoglycerate mutase 2; minus strand), DBNL (drebrin like; plus strand). Cytogenetic location: 7p13.
Variant type: single nucleotide variant.
Coding change: c.459C>T on transcript NM_000290.4 (MANE Select); coding-DNA position 459, C replaced by T.
Protein change: p.Cys153=; no amino-acid change (cysteine 153 retained).
Molecular consequence: synonymous variant. On other transcripts: 3 prime UTR variant (6).
Genome position (GRCh38, 1-based): chr7:44,064,968, G>A on the plus strand (C>T on the coding strand, the complement: PGAM2 is on the minus strand). VCF-style: chr7-44064968-G-A. GRCh37 (hg19) VCF-style: chr7-44104567-G-A.
Other names: p.Cys153=; c.*4052G>A (NM_001014436.3, NM_001122956.2, NM_001284313.2 and 3 more transcripts).
Identifiers: ClinVar variation 360272 (VCV000360272.24), dbSNP rs143809043, ClinGen allele CA4236563.